The following is an entry in ClinVar:

ClinVar aggregate classification (germline): Benign/Likely benign. Review status: criteria provided, multiple submitters, no conflicts (2 of 4 stars). 5 submissions from 5 submitters: Benign (1); Likely benign (3). 1 of the submissions does not count toward it. Last evaluated 2025-11-24.

Conditions:
FANCA-related disorder. Also called: FANCA-related condition.
Fanconi anemia (FA). Also called: Fanconi's anemia. Identifiers: Orphanet 84, MedGen C0015625, MeSH D005199, MONDO:0019391.

Allele frequency attached by ClinVar (database versions not stated): gnomAD 0.00001 and 0.00011; TOPMed 0.00005; 1000 Genomes Project 30x 0.00016; gnomAD exomes 0.00021 and 0.00058; ExAC 0.00209.
gnomAD v4.1: 309 of 1,511,088 alleles (0.02%); highest among the groups gnomAD compares: South Asian, 0.29%; 6 homozygotes.

Submissions (5):

Labcorp Genetics (formerly Invitae), Labcorp
Classification: Likely benign for Fanconi anemia. Last evaluated: 2025-11-24. Review status: criteria provided, single submitter. Criteria: Invitae Variant Classification Sherloc (09022015). Collection method: clinical testing. Allele origin: germline.

Quest Diagnostics Nichols Institute San Juan Capistrano
Classification: Likely benign. Last evaluated: 2025-07-08. Review status: criteria provided, single submitter. Criteria: Quest Diagnostics criteria. Collection method: clinical testing. Allele origin: unknown.

PreventionGenetics, part of Exact Sciences
Classification: Likely benign for FANCA-related condition. Last evaluated: 2025-03-01. Review status: criteria provided, single submitter. Criteria: ACMG Guidelines, 2015. Collection method: clinical testing. Allele origin: germline.
Comment: This variant is classified as likely benign based on ACMG/AMP sequence variant interpretation guidelines (Richards et al. 2015 PMID: 25741868, with internal and published modifications).

Blueprint Genetics
Classification: Benign. Last evaluated: 2024-10-15. Review status: criteria provided, single submitter. Criteria: ACMG Guidelines, 2015. Collection method: clinical testing. Allele origin: germline.

Natera, Inc.
Classification: Benign for Fanconi anemia. Last evaluated: 2020-01-26. Review status: no assertion criteria provided. Collection method: clinical testing. Allele origin: germline. Not counted in ClinVar's aggregate classification.

NM_000135.4(FANCA):c.59G>A (p.Arg20Lys)

Genes: FANCA (FA complementation group A; minus strand), LOC112486223 (Sharpr-MPRA regulatory region 3988; plus strand). Cytogenetic location: 16q24.3.
Variant type: single nucleotide variant.
Coding change: c.59G>A on transcript NM_000135.4 (MANE Select); coding-DNA position 59, G replaced by A.
Protein change: p.Arg20Lys; replaces arginine 20 with lysine.
Molecular consequence: missense variant.
Genome position (GRCh38, 1-based): chr16:89,816,557, C>T on the plus strand (G>A on the coding strand, the complement: FANCA is on the minus strand). VCF-style: chr16-89816557-C-T. GRCh37 (hg19) VCF-style: chr16-89882965-C-T.
Other names: c.59G>A (LRG_495t1, NM_000135.3); c.59G>A, p.Arg20Lys (NM_001018112.3, NM_001286167.3, NM_001351830.2); short protein forms R20K.
Identifiers: ClinVar variation 321375 (VCV000321375.23), dbSNP rs376307136, ClinGen allele CA8253263.